The following is an entry in ClinVar:

ClinVar aggregate classification (germline): Benign. Review status: criteria provided, single submitter (1 of 4 stars). 2 submissions from 2 submitters: Benign (1). 1 of the submissions does not count toward it. Last evaluated 2025-08-12.

Conditions:
STAT4-related disorder. Also called: STAT4-related condition.

Submissions (6):

Labcorp Genetics (formerly Invitae), Labcorp
Classification: Benign. Last evaluated: 2025-08-12. Review status: criteria provided, single submitter. Criteria: Invitae Variant Classification Sherloc (09022015). Collection method: clinical testing. Allele origin: germline.

PreventionGenetics, part of Exact Sciences
Classification: Likely benign for STAT4-related condition. Last evaluated: 2022-11-21. Review status: no assertion criteria provided. Collection method: clinical testing. Allele origin: germline. Not counted in ClinVar's aggregate classification.
Comment: This variant is classified as likely benign based on ACMG/AMP sequence variant interpretation guidelines (Richards et al. 2015 PMID: 25741868, with internal and published modifications).

Dr. Peter K. Rogan Lab, Western University
No classification provided (evidence only). Condition: Familial cancer of breast. Review status: no classification provided. Collection method: in vitro. Allele origin: not applicable. Functional consequence: retained intron. Not counted in ClinVar's aggregate classification.

Dr. Peter K. Rogan Lab, Western University
No classification provided (evidence only). Condition: Cholangiocarcinoma. Review status: no classification provided. Collection method: in vitro. Allele origin: not applicable. Functional consequence: retained intron. Not counted in ClinVar's aggregate classification.

Dr. Peter K. Rogan Lab, Western University
No classification provided (evidence only). Condition: Malignant tumor of esophagus. Review status: no classification provided. Collection method: in vitro. Allele origin: not applicable. Functional consequence: retained intron. Not counted in ClinVar's aggregate classification.

Dr. Peter K. Rogan Lab, Western University
No classification provided (evidence only). Condition: Malignant tumor of esophagus. Review status: no classification provided. Collection method: in vitro. Allele origin: not applicable. Functional consequence: retained intron. Not counted in ClinVar's aggregate classification.

NM_003151.4(STAT4):c.129-3del

Gene: STAT4 (signal transducer and activator of transcription 4; minus strand). Cytogenetic location: 2q32.3.
Variant type: Deletion.
Coding change: c.129-3del on transcript NM_003151.4 (MANE Select); 3 bases into the intron before coding-DNA position 129, one base deleted (T; older notation c.129-3delT).
Molecular consequence: intron variant.
Genome position (GRCh38, 1-based): chr2:191,146,760, A deleted on the plus strand (T on the coding strand, the reverse complement: STAT4 is on the minus strand); the first of 11 consecutive A bases (chr2:191,146,760-191,146,770); deleting any one gives the same sequence. VCF-style (leftmost placement, unchanged base first): chr2-191146759-TA-T. GRCh37 (hg19) VCF-style: chr2-192011485-TA-T.
Other names: NC_000002.11:g.192011496del; c.129-13del (NM_003151.4); c.129-3del (NM_001243835.2).
Identifiers: ClinVar variation 1600067 (VCV001600067.11), dbSNP rs754067021, ClinGen allele CA2030978.
Genomic context (GRCh38, chr2:191,146,759, plus strand): 5'-GTATTAACAAGTTTTGAAGAAGAATCGTTGCCATGGTTTCATTGTTAGAAGCTGCCTCCC[TA>T]AAAAAAAAAAGGATTATTACACAACAGAAAACAACTTTGTAAAATGTCTACTTTTTTACC-3'